The following is an entry in ClinVar:

ClinVar aggregate classification (germline): Uncertain significance (1 of 4 stars; one submission).

Submission:

Labcorp Genetics (formerly Invitae), Labcorp
Classification: Uncertain significance. Last evaluated: 2023-07-21. Review status: criteria provided, single submitter. Criteria: Invitae Variant Classification Sherloc (09022015). Collection method: clinical testing. Allele origin: germline.
Comment: This variant, c.1155_1157delinsCAT, is a complex sequence change that results in the deletion of two and insertion of two amino acid(s) in the POLE protein (p.Gln385_Glu386delinsHisMet). Information on the frequency of this variant in the gnomAD database is not available, as this variant may be reported differently in the database. This variant has not been reported in the literature in individuals affected with POLE-related conditions. Experimental studies and prediction algorithms are not available or were not evaluated, and the functional significance of this variant is currently unknown. In summary, the available evidence is currently insufficient to determine the role of this variant in disease. Therefore, it has been classified as a Variant of Uncertain Significance.

NM_006231.4(POLE):c.1155_1157delinsCAT (p.Gln385_Glu386delinsHisMet)

Gene: POLE (DNA polymerase epsilon, catalytic subunit; minus strand). Cytogenetic location: 12q24.33.
Variant type: Indel.
Coding change: c.1155_1157delinsCAT on transcript NM_006231.4 (MANE Select); coding-DNA positions 1155 to 1157, GGA replaced by CAT.
Protein change: p.Gln385_Glu386delinsHisMet.
Molecular consequence: missense variant.
Genome position (GRCh38, 1-based): chr12:132,675,467-132,675,469, TCC replaced by ATG on the plus strand (GGA replaced by CAT on the coding strand, the reverse complement: POLE is on the minus strand). VCF-style: chr12-132675467-TCC-ATG. GRCh37 (hg19) VCF-style: chr12-133252053-TCC-ATG.
Identifiers: ClinVar variation 2729723 (VCV002729723.3), dbSNP rs2542158767, ClinGen allele CA2697551611.